The following is an entry in ClinVar:

ClinVar aggregate classification (germline): Likely benign. Review status: criteria provided, multiple submitters, no conflicts (2 of 4 stars). 4 submissions from 4 submitters: Likely benign (4). Last evaluated 2026-01-25.

Conditions:
FLNC-related disorder. Also called: FLNC-related disorders; FLNC-related condition.
Distal myopathy with posterior leg and anterior hand involvement. Also called: WILLIAMS DISTAL MYOPATHY. Identifiers: Orphanet 63273, MedGen C3279722, MONDO:0013550, OMIM 614065.
Hypertrophic cardiomyopathy 26. Also called: Cardiomyopathy, familial hypertrophic, 26. Identifiers: Orphanet 75249, MedGen C4310749, MONDO:0014883, OMIM 617047.
Myofibrillar myopathy 5. Also called: Filaminopathy (type); FILAMINOPATHY, AUTOSOMAL DOMINANT. Identifiers: Orphanet 171445, MedGen C1836050, MONDO:0012289, OMIM 609524.
Cardiovascular phenotype. Identifiers: MedGen CN230736.

Allele frequency attached by ClinVar (database versions not stated): ExAC 0.00002; gnomAD exomes 0.00002; TOPMed 0.00003; gnomAD 0.00005.
gnomAD v4.1: 54 of 1,613,988 alleles (0.0033%); highest among the groups gnomAD compares: Non-Finnish European, 0.0043%; no homozygotes.

Submissions (4):

Labcorp Genetics (formerly Invitae), Labcorp
Classification: Likely benign for Distal myopathy with posterior leg and anterior hand involvement; Myofibrillar myopathy 5; Hypertrophic cardiomyopathy 26. Last evaluated: 2026-01-25. Review status: criteria provided, single submitter. Criteria: Invitae Variant Classification Sherloc (09022015). Collection method: clinical testing. Allele origin: germline.

PreventionGenetics, part of Exact Sciences
Classification: Likely benign for FLNC-related condition. Last evaluated: 2025-10-13. Review status: criteria provided, single submitter. Criteria: ACMG Guidelines, 2015. Collection method: clinical testing. Allele origin: germline.
Comment: This variant is classified as likely benign based on ACMG/AMP sequence variant interpretation guidelines (Richards et al. 2015 PMID: 25741868, with internal and published modifications).

Blueprint Genetics
Classification: Likely benign. Last evaluated: 2023-10-20. Review status: criteria provided, single submitter. Criteria: ACMG Guidelines, 2015. Collection method: clinical testing. Allele origin: germline.

Ambry Genetics
Classification: Likely benign for Cardiovascular phenotype. Last evaluated: 2020-07-19. Review status: criteria provided, single submitter. Criteria: Ambry Variant Classification Scheme 2023. Collection method: clinical testing. Allele origin: germline.

NM_001458.5(FLNC):c.462G>A (p.Glu154=)

Gene: FLNC (filamin C; plus strand). Cytogenetic location: 7q32.1.
Variant type: single nucleotide variant.
Coding change: c.462G>A on transcript NM_001458.5 (MANE Select); coding-DNA position 462, G replaced by A.
Protein change: p.Glu154=; no amino-acid change (glutamic acid 154 retained).
Molecular consequence: synonymous variant.
Genome position (GRCh38, 1-based): chr7:128,835,435, G>A. VCF-style: chr7-128835435-G-A. GRCh37 (hg19) VCF-style: chr7-128475489-G-A.
Other names: c.462G>A, p.Glu154= (NM_001127487.2).
Identifiers: ClinVar variation 1146397 (VCV001146397.13), dbSNP rs753730559, ClinGen allele CA4474038.